The following is an entry in ClinVar:

NM_001360.3(DHCR7):c.326T>C (p.Leu109Pro)

Gene: DHCR7 (7-dehydrocholesterol reductase; minus strand). Cytogenetic location: 11q13.4.
Variant type: single nucleotide variant.
Coding change: c.326T>C on transcript NM_001360.3 (MANE Select); coding-DNA position 326, T replaced by C.
Protein change: p.Leu109Pro; replaces leucine 109 with proline.
Molecular consequence: missense variant.
Genome position (GRCh38, 1-based): chr11:71,442,349, A>G on the plus strand (T>C on the coding strand, the complement: DHCR7 is on the minus strand). VCF-style: chr11-71442349-A-G. GRCh37 (hg19) VCF-style: chr11-71153395-A-G.
Other names: c.326T>C, p.Leu109Pro (NM_001163817.2); short protein forms L109P.
Identifiers: ClinVar variation 550951 (VCV000550951.19), dbSNP rs121912195, ClinGen allele CA224280150.

ClinVar aggregate classification (germline): Pathogenic/Likely pathogenic. Review status: criteria provided, multiple submitters, no conflicts (2 of 4 stars). 8 submissions from 8 submitters: Pathogenic (4); Likely pathogenic (3). 1 of the submissions does not count toward it. Last evaluated 2025-09-22.

Conditions:
DHCR7-related disorder. Also called: DHCR7-related condition.
Smith-Lemli-Opitz syndrome (SLOS). Also called: 7-Dehydrocholesterol reductase deficiency; LETHAL ACRODYSGENITAL SYNDROME; POLYDACTYLY, SEX REVERSAL, RENAL HYPOPLASIA, AND UNILOBAR LUNG; RSH SYNDROME; RUTLEDGE LETHAL MULTIPLE CONGENITAL ANOMALY SYNDROME. Identifiers: Orphanet 818, MedGen C0175694, MONDO:0010035, OMIM 270400.
Inborn genetic diseases. Identifiers: MedGen C0950123, MeSH D030342.

Allele frequency attached by ClinVar (database versions not stated): TOPMed below 0.00001; gnomAD 0.00001.
gnomAD v4.1: 2 of 1,613,538 alleles (0.00012%); highest among the groups gnomAD compares: Non-Finnish European, 0.00017%; no homozygotes.

Submissions (8):

Variantyx, Inc.
Classification: Likely pathogenic for Smith-Lemli-Opitz syndrome. Last evaluated: 2025-09-22. Review status: criteria provided, single submitter. Criteria: Variantyx Assertion Criteria 2022. Collection method: clinical testing. Allele origin: germline. Inheritance: Autosomal recessive inheritance. Affected: yes.
Comment: This is a nonsynonymous variant in the DHCR7 gene (OMIM: 602858). Pathogenic variants in this gene have been associated with autosomal recessive Smith-Lemli-Opitz syndrome. Multiple computational algorithms predict a deleterious effect for this variant (REVEL score: 0.82) (PP3). This variant has a 0.0029% maximum allele frequency in non-founder control populations (PM2). Based on the current evidence, this variant is classified as likely pathogenic for autosomal recessive Smith-Lemli-Opitz syndrome.

Natera, Inc.
Classification: Pathogenic for Smith-Lemli-Opitz syndrome. Last evaluated: 2024-10-16. Review status: criteria provided, single submitter. Criteria: Natera Variant Classification Schema (03/2026). Collection method: clinical testing. Allele origin: germline.
Comment: The c.326T>C variant in DHCR7 is a missense variant predicted to cause substitution of leucine to proline at amino acid 109. This variant is rare in the general population with a frequency below the threshold expected for the associated phenotype(s). This variant has been observed in one or more individuals affected with the associated recessive disease, as either homozygous or compound heterozygous with a second variant (PMID: 20556518). Computational prediction algorithms indicate this variant is likely to affect gene or protein function. Given the available evidence, this variant is classified as Pathogenic.

Blueprint Genetics
Classification: Pathogenic for DHCR7-related disorders. Last evaluated: 2024-10-11. Review status: criteria provided, single submitter. Criteria: ACMG Guidelines, 2015. Collection method: clinical testing. Allele origin: germline. Affected: yes. Observed: 2 variant alleles.

Laboratory of Medical Genetics, National & Kapodistrian University of Athens
Classification: Likely pathogenic for Smith-Lemli-Opitz syndrome. Last evaluated: 2024-02-01. Review status: criteria provided, single submitter. Criteria: ACMG Guidelines, 2015. Collection method: curation. Allele origin: germline. Affected: no.

Labcorp Genetics (formerly Invitae), Labcorp
Classification: Pathogenic for Smith-Lemli-Opitz syndrome. Last evaluated: 2023-07-25. Review status: criteria provided, single submitter. Criteria: Invitae Variant Classification Sherloc (09022015). Collection method: clinical testing. Allele origin: germline.
Comment: For these reasons, this variant has been classified as Pathogenic. Advanced modeling of protein sequence and biophysical properties (such as structural, functional, and spatial information, amino acid conservation, physicochemical variation, residue mobility, and thermodynamic stability) performed at Invitae indicates that this missense variant is expected to disrupt DHCR7 protein function. ClinVar contains an entry for this variant (Variation ID: 550951). This missense change has been observed in individuals with Smith–Lemli–Opitz syndrome (PMID: 10677299, 10995508, 11427181, 17441222). This variant is present in population databases (rs121912195, gnomAD 0.007%). This sequence change replaces leucine, which is neutral and non-polar, with proline, which is neutral and non-polar, at codon 109 of the DHCR7 protein (p.Leu109Pro).

GeneDx
Classification: Pathogenic. Last evaluated: 2020-01-28. Review status: criteria provided, single submitter. Criteria: GeneDx Variant Classification Process June 2021. Collection method: clinical testing. Allele origin: germline. Affected: yes.
Comment: Not observed at a significant frequency in large population cohorts (Lek et al., 2016); The majority of missense variants in this gene are considered pathogenic (Stenson et al., 2014); In silico analysis, which includes protein predictors and evolutionary conservation, supports a deleterious effect; This variant is associated with the following publications: (PMID: 15896653, 23293579, 20556518, 19390132, 22975760, 11427181, 10677299, 10995508, 12070263)

Ambry Genetics
Classification: Likely pathogenic for Inborn genetic diseases. Last evaluated: 2016-04-11. Review status: criteria provided, single submitter. Criteria: Ambry Variant Classification Scheme 2023. Collection method: clinical testing. Allele origin: germline.
Comment: The p.L109P variant (also known as c.326T>C), located in coding exon 3 of the DHCR7 gene, results from a T to C substitution at nucleotide position 326. The leucine at codon 109 is replaced by proline, an amino acid with similar properties. This variant has been reported in multiple individuals with a diagnosis of Smith-Lemli-Opitz syndrome (SLOS) and second pathogenic mutation, (Witsch-Baumgartner M, Am. J. Hum. Genet. 2000 Feb; 66(2):402-12; Krakowiak PA, Am. J. Med. Genet. 2000 Sep; 94(3):214-27; Jira PE, Ann. Hum. Genet. 2001 May; 65(Pt 3):229-36; Jezela-Stanek A, J. Inherit. Metab. Dis. 2010 Dec; 33 Suppl 3:S241-8a); only one report confirmed this variant and the second pathogenic mutation to be in trans (Balogh I, Mol Syndromol 2012 Nov; 3(5):215-22). This variant was previously reported in the SNPDatabase as rs121912195. Based on data from the NHLBI Exome Sequencing Project (ESP), no alterations were observed among 12988 alleles tested (0.0%). Allele frequency data for this nucleotide position is not currently available from the 1000 Genomes Project. This amino acid position is not well conserved in available vertebrate species. In addition, this alteration is predicted to be possibly damaging and deleterious by PolyPhen and SIFT in silico analyses, respectively. .

Counsyl
Classification: Likely pathogenic for Smith-Lemli-Opitz syndrome. Last evaluated: 2017-03-14. Review status: no assertion criteria provided. Collection method: clinical testing. Allele origin: unknown. Not counted in ClinVar's aggregate classification.

Literature cited by the submitters: PubMed 10677299 (cited by 4 submitters); PubMed 10995508 (cited by 3 submitters); PubMed 11427181 (cited by 4 submitters); PubMed 23293579 (cited by 3 submitters); PubMed 20556518 (cited by 4 submitters); PubMed 17441222 (cited by Labcorp Genetics (formerly Invitae), Labcorp); PubMed 19390132 (cited by Counsyl); PubMed 15896653 (cited by Counsyl); PubMed 12070263 (cited by Counsyl).